The following is an entry in ClinVar:

ClinVar aggregate classification (germline): Uncertain significance. Review status: criteria provided, single submitter (1 of 4 stars). 2 submissions from 2 submitters: Uncertain significance (1). 1 of the submissions does not count toward it. Last evaluated 2025-09-28.

Conditions:
BSN-related disorder. Also called: BSN-related condition.

Allele frequency attached by ClinVar (database versions not stated): 1000 Genomes Project 0.00120; 1000 Genomes Project 30x 0.00141; gnomAD 0.00116; TOPMed 0.00164; gnomAD exomes 0.00011; ExAC 0.00036; ESP Exome Variant Server 0.00223.
gnomAD v4.1: 337 of 1,614,052 alleles (0.021%); highest among the groups gnomAD compares: African/African-American, 0.43%; 2 homozygotes.

Submissions (2):

Ambry Genetics
Classification: Uncertain significance. Last evaluated: 2025-09-28. Review status: criteria provided, single submitter. Criteria: Ambry Variant Classification Scheme 2023. Collection method: clinical testing. Allele origin: germline.

PreventionGenetics, part of Exact Sciences
Classification: Likely benign for BSN-related condition. Last evaluated: 2022-05-17. Review status: no assertion criteria provided. Collection method: clinical testing. Allele origin: germline. Not counted in ClinVar's aggregate classification.
Comment: This variant is classified as likely benign based on ACMG/AMP sequence variant interpretation guidelines (Richards et al. 2015 PMID: 25741868, with internal and published modifications).

NM_003458.4(BSN):c.4301A>G (p.Asp1434Gly)

Gene: BSN (bassoon presynaptic cytomatrix protein; plus strand). Cytogenetic location: 3p21.31.
Variant type: single nucleotide variant.
Coding change: c.4301A>G on transcript NM_003458.4 (MANE Select); coding-DNA position 4301, A replaced by G.
Protein change: p.Asp1434Gly; replaces aspartic acid 1434 with glycine.
Molecular consequence: missense variant.
Genome position (GRCh38, 1-based): chr3:49,653,857, A>G. VCF-style: chr3-49653857-A-G. GRCh37 (hg19) VCF-style: chr3-49691290-A-G.
Other names: short protein forms D1434G.
Identifiers: ClinVar variation 3046098 (VCV003046098.3), dbSNP rs140735933, ClinGen allele CA2400108.